The following is an entry in ClinVar:

ClinVar aggregate classification (germline): Benign (1 of 4 stars; one submission).

Allele frequency attached by ClinVar (database versions not stated): gnomAD 0.07617 and 0.07983; TOPMed 0.08065; 1000 Genomes Project 0.09026; 1000 Genomes Project 30x 0.09572.
gnomAD v4.1: 11,450 of 151,826 alleles (7.5%); highest among the groups gnomAD compares: African/African-American, 22%; 1,059 homozygotes.

Submission:

GeneDx
Classification: Benign. Last evaluated: 2018-06-14. Review status: criteria provided, single submitter. Criteria: GeneDx Variant Classification (06012015). Collection method: clinical testing. Allele origin: germline. Affected: yes.
Comment: This variant is considered likely benign or benign based on one or more of the following criteria: it is a conservative change, it occurs at a poorly conserved position in the protein, it is predicted to be benign by multiple in silico algorithms, and/or has population frequency not consistent with disease.

NM_002474.3(MYH11):c.4791+226T>C

Genes: MYH11 (myosin heavy chain 11; minus strand), NDE1 (nudE neurodevelopment protein 1; plus strand). Cytogenetic location: 16p13.11.
Variant type: single nucleotide variant.
Coding change: c.4791+226T>C on transcript NM_002474.3 (MANE Select); 226 bases into the intron after coding-DNA position 4791, T replaced by C.
Molecular consequence: intron variant.
Genome position (GRCh38, 1-based): chr16:15,720,613, A>G on the plus strand (T>C on the coding strand, the complement: MYH11 is on the minus strand). VCF-style: chr16-15720613-A-G. GRCh37 (hg19) VCF-style: chr16-15814470-A-G.
Other names: c.948-3578A>G (NM_001143979.2, NM_017668.3); c.4791+226T>C (NM_022844.3); c.4812+226T>C (NM_001040114.2, NM_001040113.2).
Identifiers: ClinVar variation 678594 (VCV000678594.1), dbSNP rs57826272, ClinGen allele CA278598750.